The following is an entry in ClinVar:

NM_178170.3(NEK8):c.880C>T (p.Arg294Cys)

Gene: NEK8 (NIMA related kinase 8; plus strand). Cytogenetic location: 17q11.2.
Variant type: single nucleotide variant.
Coding change: c.880C>T on transcript NM_178170.3 (MANE Select); coding-DNA position 880, C replaced by T.
Protein change: p.Arg294Cys; replaces arginine 294 with cysteine.
Molecular consequence: missense variant.
Genome position (GRCh38, 1-based): chr17:28,737,727, C>T. VCF-style: chr17-28737727-C-T. GRCh37 (hg19) VCF-style: chr17-27064745-C-T.
Other names: short protein forms R294C.
Identifiers: ClinVar variation 322478 (VCV000322478.11), dbSNP rs146113045, ClinGen allele CA8467226.
Genomic context (GRCh38, chr17:28,737,727, plus strand): 5'-TCCTGCAGGGCAGAGAAGTCCGTGGCCCCCAGCAACACAGGGAGCAGGACCACCAGTGTC[C>T]GCTGCAGAGGTAAGTGGGAAGAGGCCGCCAGTCCCCATGGATGCCACACCATTCCCATCA-3'
Protein context (NP_835464.1, residues 284-304): SNTGSRTTSV[Arg294Cys]CRGIPRGPVR

ClinVar aggregate classification (germline): Uncertain significance. Review status: criteria provided, multiple submitters, no conflicts (2 of 4 stars). 4 submissions from 4 submitters: Uncertain significance (4). Last evaluated 2026-02-19.

Conditions:
Nephronophthisis 9 (NPHP9). Identifiers: Orphanet 655, MedGen C3151188, MONDO:0013444, OMIM 613824.
NEK8-related disorder. Also called: NEK8-related condition.
Renal-hepatic-pancreatic dysplasia 2 (RHPD2). Identifiers: MedGen C3809434, MONDO:0014174, OMIM 615415.
Polycystic kidney disease 8. Identifiers: MedGen C5935640, MONDO:0971178, OMIM 620903.

Allele frequency attached by ClinVar (database versions not stated): gnomAD exomes 0.00007 and 0.00016; gnomAD 0.00010 and 0.00012; TOPMed 0.00012; ESP Exome Variant Server 0.00015; 1000 Genomes Project 30x 0.00016; ExAC 0.00016; 1000 Genomes Project 0.00020.
gnomAD v4.1: 119 of 1,614,106 alleles (0.0074%); highest among the groups gnomAD compares: Middle Eastern, 0.033%; no homozygotes.

Submissions (4):

PreventionGenetics, part of Exact Sciences
Classification: Uncertain significance for NEK8-related condition. Last evaluated: 2026-02-19. Review status: criteria provided, single submitter. Criteria: ACMG Guidelines, 2015. Collection method: clinical testing. Allele origin: germline.
Comment: The NEK8 c.880C>T variant is predicted to result in the amino acid substitution p.Arg294Cys. To our knowledge, this variant has not been reported in the literature. This variant is reported in 0.18% of alleles in individuals of Ashkenazi Jewish descent in gnomAD. Although we suspect that this variant may be benign, at this time, the clinical significance of this variant is uncertain due to the absence of conclusive functional and genetic evidence.

Labcorp Genetics (formerly Invitae), Labcorp
Classification: Uncertain significance for Nephronophthisis 9. Last evaluated: 2026-01-25. Review status: criteria provided, single submitter. Criteria: Invitae Variant Classification Sherloc (09022015). Collection method: clinical testing. Allele origin: germline.
Comment: This sequence change replaces arginine, which is basic and polar, with cysteine, which is neutral and slightly polar, at codon 294 of the NEK8 protein (p.Arg294Cys). This variant is present in population databases (rs146113045, gnomAD 0.2%). This variant has not been reported in the literature in individuals affected with NEK8-related conditions. ClinVar contains an entry for this variant (Variation ID: 322478). An algorithm developed to predict the effect of missense changes on protein structure and function (PolyPhen-2) suggests that this variant is likely to be tolerated. In summary, the available evidence is currently insufficient to determine the role of this variant in disease. Therefore, it has been classified as a Variant of Uncertain Significance.

Fulgent Genetics
Classification: Uncertain significance for Nephronophthisis 9; Renal-hepatic-pancreatic dysplasia 2; Polycystic kidney disease 8. Last evaluated: 2024-03-01. Review status: criteria provided, single submitter. Criteria: ACMG Guidelines, 2015. Collection method: clinical testing. Allele origin: germline.

Illumina Laboratory Services, Illumina
Classification: Uncertain significance for Nephronophthisis 9. Last evaluated: 2018-01-13. Review status: criteria provided, single submitter. Criteria: ICSL Variant Classification Criteria 13 December 2019. Collection method: clinical testing. Allele origin: germline.